The following is an entry in ClinVar:

NM_016038.4(SBDS):c.407C>G (p.Ala136Gly)

Gene: SBDS (SBDS ribosome maturation factor; minus strand). Cytogenetic location: 7q11.21.
Variant type: single nucleotide variant.
Coding change: c.407C>G on transcript NM_016038.4 (MANE Select); coding-DNA position 407, C replaced by G.
Protein change: p.Ala136Gly; replaces alanine 136 with glycine.
Molecular consequence: missense variant.
Genome position (GRCh38, 1-based): chr7:66,993,269, G>C on the plus strand (C>G on the coding strand, the complement: SBDS is on the minus strand). VCF-style: chr7-66993269-G-C. GRCh37 (hg19) VCF-style: chr7-66458256-G-C.
Other names: short protein forms A136G.
Identifiers: ClinVar variation 4159813 (VCV004159813.1).

ClinVar aggregate classification (germline): Uncertain significance (1 of 4 stars; one submission).

Conditions:
Inborn genetic diseases. Identifiers: MedGen C0950123, MeSH D030342.

Submission:

Ambry Genetics
Classification: Uncertain significance for Inborn genetic diseases. Last evaluated: 2025-07-28. Review status: criteria provided, single submitter. Criteria: Ambry Variant Classification Scheme 2023. Collection method: clinical testing. Allele origin: germline.
Comment: The p.A136G variant (also known as c.407C>G), located in coding exon 3 of the SBDS gene, results from a C to G substitution at nucleotide position 407. The alanine at codon 136 is replaced by glycine, an amino acid with similar properties. This amino acid position is conserved. In addition, the in silico prediction for this alteration is inconclusive. Based on the available evidence, the clinical significance of this variant remains unclear.